The following is an entry in ClinVar:

ClinVar aggregate classification (germline): Uncertain significance. Review status: criteria provided, multiple submitters, no conflicts (2 of 4 stars). 2 submissions from 2 submitters: Uncertain significance (2). Last evaluated 2025-10-23.

Conditions:
Inborn genetic diseases. Identifiers: MedGen C0950123, MeSH D030342.
Severe myoclonic epilepsy in infancy (DRVT). Also called: SEVERE MYOCLONIC EPILEPSY OF INFANCY; Dravet syndrome; Epileptic encephalopathy, early infantile, 6 (Dravet syndrome); DEVELOPMENTAL AND EPILEPTIC ENCEPHALOPATHY 6A; Severe Myoclonic Epilepsy in Infancy (SMEI). Identifiers: Orphanet 33069, MedGen C0751122, MONDO:0100135, OMIM 607208.

Allele frequency attached by ClinVar (database versions not stated): gnomAD exomes below 0.00001.

Submissions (2):

Ambry Genetics
Classification: Uncertain significance for Inborn genetic diseases. Last evaluated: 2025-10-23. Review status: criteria provided, single submitter. Criteria: Ambry Variant Classification Scheme 2023. Collection method: clinical testing. Allele origin: germline.

Labcorp Genetics (formerly Invitae), Labcorp
Classification: Uncertain significance for Severe myoclonic epilepsy in infancy. Last evaluated: 2021-08-28. Review status: criteria provided, single submitter. Criteria: Invitae Variant Classification Sherloc (09022015). Collection method: clinical testing. Allele origin: germline.
Comment: This sequence change replaces isoleucine with valine at codon 428 of the SNX27 protein (p.Ile428Val). The isoleucine residue is highly conserved and there is a small physicochemical difference between isoleucine and valine. This variant is not present in population databases (ExAC no frequency). This variant has not been reported in the literature in individuals affected with SNX27-related conditions. Algorithms developed to predict the effect of missense changes on protein structure and function (SIFT, PolyPhen-2, Align-GVGD) all suggest that this variant is likely to be tolerated. In summary, the available evidence is currently insufficient to determine the role of this variant in disease. Therefore, it has been classified as a Variant of Uncertain Significance.

NM_001330723.2(SNX27):c.1282A>G (p.Ile428Val)

Gene: SNX27 (sorting nexin 27; plus strand). Cytogenetic location: 1q21.3.
Variant type: single nucleotide variant.
Coding change: c.1282A>G on transcript NM_001330723.2 (MANE Select); coding-DNA position 1282, A replaced by G.
Protein change: p.Ile428Val; replaces isoleucine 428 with valine.
Molecular consequence: missense variant.
Genome position (GRCh38, 1-based): chr1:151,692,477, A>G. VCF-style: chr1-151692477-A-G. GRCh37 (hg19) VCF-style: chr1-151664953-A-G.
Other names: c.1282A>G (NM_030918.5); c.1282A>G, p.Ile428Val (NM_030918.6); short protein forms I428V.
Identifiers: ClinVar variation 1361490 (VCV001361490.6), dbSNP rs1228574763, ClinGen allele CA341971951.